The following is an entry in ClinVar:

ClinVar aggregate classification (germline): Conflicting classifications of pathogenicity. Review status: criteria provided, conflicting classifications (1 of 4 stars). 6 submissions from 6 submitters: Uncertain significance (5); Likely benign (1). Last evaluated 2026-09-05.

Conditions:
Joubert syndrome. Also called: JOUBERT-BOLTSHAUSER SYNDROME; Familial aplasia of the vermis. Identifiers: Orphanet 475, MedGen C5979921, MONDO:0018772.
Intellectual disability. Also called: Intellectual functioning disability; Intellectual developmental disorder; intellectual disabilities. Identifiers: MedGen C3714756, MeSH D008607, MONDO:0001071, HP:0001249.
Inborn genetic diseases. Identifiers: MedGen C0950123, MeSH D030342.

Allele frequency attached by ClinVar (database versions not stated): gnomAD exomes 0.00002 and 0.00005; ExAC 0.00006; 1000 Genomes Project 0.00020; gnomAD 0.00030 and 0.00033; 1000 Genomes Project 30x 0.00031; TOPMed 0.00038; ESP Exome Variant Server 0.00042.
gnomAD v4.1: 79 of 1,613,984 alleles (0.0049%); highest among the groups gnomAD compares: African/African-American, 0.1%; no homozygotes.

Submissions (6):

GeneDx
Classification: Uncertain significance. Last evaluated: 2026-09-05. Review status: criteria provided, single submitter. Criteria: GeneDx Variant Classification Process June 2021. Collection method: clinical testing. Allele origin: germline.
Comment: In silico analysis suggests that this missense variant does not alter protein structure/function; Has not been previously published as pathogenic or benign to our knowledge

Labcorp Genetics (formerly Invitae), Labcorp
Classification: Likely benign for Joubert syndrome. Last evaluated: 2026-01-14. Review status: criteria provided, single submitter. Criteria: Invitae Variant Classification Sherloc (09022015). Collection method: clinical testing. Allele origin: germline.

Blueprint Genetics
Classification: Uncertain significance. Last evaluated: 2024-02-28. Review status: criteria provided, single submitter. Criteria: ACMG Guidelines, 2015. Collection method: clinical testing. Allele origin: germline.

Women's Health and Genetics/Laboratory Corporation of America, LabCorp
Classification: Uncertain significance. Last evaluated: 2023-06-22. Review status: criteria provided, single submitter. Criteria: LabCorp Variant Classification Summary - May 2015. Collection method: clinical testing. Allele origin: germline.
Comment: Variant summary: AHI1 c.1013T>G (p.Leu338Trp) results in a non-conservative amino acid change in the encoded protein sequence. Three of five in-silico tools predict a damaging effect of the variant on protein function. The variant allele was found at a frequency of 4.8e-05 in 249222 control chromosomes (gnomAD). This frequency is not significantly higher than estimated for a pathogenic variant in AHI1 causing Joubert Syndrome And Related Disorders (4.8e-05 vs 0.0013), allowing no conclusion about variant significance. To our knowledge, no occurrence of c.1013T>G in individuals affected with Joubert Syndrome And Related Disorders and no experimental evidence demonstrating its impact on protein function have been reported. Four submitters have cited clinical-significance assessments for this variant to ClinVar after 2014, and classified it as uncertain significance (n=3) or likely benign (n=1). Based on the evidence outlined above, the variant was classified as uncertain significance.

Ambry Genetics
Classification: Uncertain significance for Inborn genetic diseases. Last evaluated: 2022-07-12. Review status: criteria provided, single submitter. Criteria: Ambry Variant Classification Scheme 2023. Collection method: clinical testing. Allele origin: germline.

Cambridge Genomics Laboratory, East Genomic Laboratory Hub, NHS Genomic Medicine Service
Classification: Uncertain significance for Intellectual disability. Last evaluated: 2019-12-06. Review status: criteria provided, single submitter. Criteria: ACGS Best Practice Guidelines for Variant Classification in Rare Disease 2020. Collection method: clinical testing. Allele origin: germline. Affected: yes. Observed: 1 variant allele.

NM_001134831.2(AHI1):c.1013T>G (p.Leu338Trp)

Gene: AHI1 (Abelson helper integration site 1; minus strand). Cytogenetic location: 6q23.3.
Variant type: single nucleotide variant.
Coding change: c.1013T>G on transcript NM_001134831.2 (MANE Select); coding-DNA position 1013, T replaced by G.
Protein change: p.Leu338Trp; replaces leucine 338 with tryptophan.
Molecular consequence: missense variant.
Genome position (GRCh38, 1-based): chr6:135,457,632, A>C on the plus strand (T>G on the coding strand, the complement: AHI1 is on the minus strand). VCF-style: chr6-135457632-A-C. GRCh37 (hg19) VCF-style: chr6-135778770-A-C.
Other names: c.1013T>G, p.Leu338Trp (NM_001134830.2, NM_001134832.2, NM_001350503.2 and 2 more transcripts); short protein forms L338W.
Identifiers: ClinVar variation 857917 (VCV000857917.16), dbSNP rs201790260, ClinGen allele CA4012684.
Genomic context (GRCh38, chr6:135,457,632, plus strand): 5'-TCTGACTTAAGTCTATCAGTTCGGTGAATGTAAACTCCCAAGACAAGGTCATCATCAAGC[A>C]AACATTTGGGATAAACCGGGCTATCTCGGCTTGTTATTTCATGAACACCATCACCATCAA-3'
Protein context (NP_001128303.1, residues 328-348): SRDSPVYPKC[Leu338Trp]LDDDLVLGVY